The following is an entry in ClinVar:

NM_001161403.3(LIMS2):c.986G>A (p.Arg329His)

Gene: LIMS2 (LIM zinc finger domain containing 2; minus strand). Cytogenetic location: 2q14.3.
Variant type: single nucleotide variant.
Coding change: c.986G>A on transcript NM_001161403.3 (MANE Select); coding-DNA position 986, G replaced by A.
Protein change: p.Arg329His; replaces arginine 329 with histidine.
Molecular consequence: missense variant.
Genome position (GRCh38, 1-based): chr2:127,639,321, C>T on the plus strand (G>A on the coding strand, the complement: LIMS2 is on the minus strand). VCF-style: chr2-127639321-C-T. GRCh37 (hg19) VCF-style: chr2-128396896-C-T.
Other names: c.1052G>A, p.Arg351His (NM_001136037.4); c.971G>A, p.Arg324His (NM_001161404.2); c.530G>A, p.Arg177His (NM_001256542.2); c.1058G>A, p.Arg353His (NM_017980.5); short protein forms R351H, R329H, R177H, R324H, R353H.
Identifiers: ClinVar variation 3718322 (VCV003718322.2).

ClinVar aggregate classification (germline): Uncertain significance (1 of 4 stars; one submission).

Conditions:
Autosomal recessive limb-girdle muscular dystrophy type 2W (MDRCMTT). Also called: Muscular dystrophy, limb-girdle, type 2W; Muscular dystrophy, autosomal recessive, with cardiomyopathy and triangular tongue. Identifiers: MedGen C4225192, MONDO:0014788, OMIM 616827.

gnomAD v4.1: 7 of 1,613,862 alleles (0.00043%); highest among the groups gnomAD compares: Non-Finnish European, 0.00051%; no homozygotes.

Submission:

Labcorp Genetics (formerly Invitae), Labcorp
Classification: Uncertain significance for Autosomal recessive limb-girdle muscular dystrophy type 2W. Last evaluated: 2025-04-14. Review status: criteria provided, single submitter. Criteria: Invitae Variant Classification Sherloc (09022015). Collection method: clinical testing. Allele origin: germline.
Comment: This sequence change replaces arginine, which is basic and polar, with histidine, which is basic and polar, at codon 351 of the LIMS2 protein (p.Arg351His). This variant is present in population databases (no rsID available, gnomAD 0.0009%). This variant has not been reported in the literature in individuals affected with LIMS2-related conditions. ClinVar contains an entry for this variant (Variation ID: 3718322). An algorithm developed to predict the effect of missense changes on protein structure and function (PolyPhen-2) suggests that this variant is likely to be disruptive. In summary, the available evidence is currently insufficient to determine the role of this variant in disease. Therefore, it has been classified as a Variant of Uncertain Significance.